The following is an entry in ClinVar:

NM_001611.5(ACP5):c.13A>G (p.Thr5Ala)

Gene: ACP5 (acid phosphatase 5, tartrate resistant; minus strand). Cytogenetic location: 19p13.2.
Variant type: single nucleotide variant.
Coding change: c.13A>G on transcript NM_001611.5 (MANE Select); coding-DNA position 13, A replaced by G.
Protein change: p.Thr5Ala; replaces threonine 5 with alanine.
Molecular consequence: missense variant.
Genome position (GRCh38, 1-based): chr19:11,577,305, T>C on the plus strand (A>G on the coding strand, the complement: ACP5 is on the minus strand). VCF-style: chr19-11577305-T-C. GRCh37 (hg19) VCF-style: chr19-11688120-T-C.
Other names: c.13A>G, p.Thr5Ala (NM_001111034.3, NM_001111035.3, NM_001111036.3 and 1 more transcripts); short protein forms T5A.
Identifiers: ClinVar variation 1491618 (VCV001491618.8), dbSNP rs2145093839, ClinGen allele CA404149667.

ClinVar aggregate classification (germline): Uncertain significance (1 of 4 stars; one submission).

Conditions:
Spondyloenchondrodysplasia with immune dysregulation (SPENCDI). Also called: SPONDYLOENCHONDRODYSPLASIA WITH OR WITHOUT IMMUNE DYSREGULATION; COMBINED IMMUNODEFICIENCY WITH AUTOIMMUNITY AND SPONDYLOMETAPHYSEAL DYSPLASIA; ROIFMAN IMMUNOSKELETAL SYNDROME. Identifiers: Orphanet 1855, MedGen C1842763, MONDO:0011939, OMIM 607944.

Submission:

Labcorp Genetics (formerly Invitae), Labcorp
Classification: Uncertain significance for Spondyloenchondrodysplasia with immune dysregulation. Last evaluated: 2022-02-02. Review status: criteria provided, single submitter. Criteria: Invitae Variant Classification Sherloc (09022015). Collection method: clinical testing. Allele origin: germline.
Comment: This variant has not been reported in the literature in individuals affected with ACP5-related conditions. Algorithms developed to predict the effect of missense changes on protein structure and function output the following: SIFT: "Not Available"; PolyPhen-2: "Benign"; Align-GVGD: "Not Available". The alanine amino acid residue is found in multiple mammalian species, which suggests that this missense change does not adversely affect protein function. In summary, the available evidence is currently insufficient to determine the role of this variant in disease. Therefore, it has been classified as a Variant of Uncertain Significance. This sequence change replaces threonine, which is neutral and polar, with alanine, which is neutral and non-polar, at codon 5 of the ACP5 protein (p.Thr5Ala). This variant is not present in population databases (gnomAD no frequency).